The following is an entry in ClinVar:

ClinVar aggregate classification (germline): Likely benign. Review status: criteria provided, single submitter (1 of 4 stars). 2 submissions from 2 submitters: Likely benign (1). 1 of the submissions does not count toward it. Last evaluated 2025-12-27.

Conditions:
Gorlin syndrome. Also called: Nevoid Basal Cell Carcinoma Syndrome; Basal cell nevus syndrome. Identifiers: Orphanet 377, MedGen C0004779, MONDO:0007187.
PTCH2-related disorder. Also called: PTCH2-related condition; PTCH2-related disease.

Allele frequency attached by ClinVar (database versions not stated): ESP Exome Variant Server 0.00008; gnomAD 0.00013; 1000 Genomes Project 30x 0.00016; TOPMed 0.00018; 1000 Genomes Project 0.00020; gnomAD exomes 0.00020; ExAC 0.00027.

Submissions (2):

Labcorp Genetics (formerly Invitae), Labcorp
Classification: Likely benign for Gorlin syndrome. Last evaluated: 2025-12-27. Review status: criteria provided, single submitter. Criteria: Invitae Variant Classification Sherloc (09022015). Collection method: clinical testing. Allele origin: germline.

PreventionGenetics, part of Exact Sciences
Classification: Likely benign for PTCH2-related condition. Last evaluated: 2019-03-25. Review status: no assertion criteria provided. Collection method: clinical testing. Allele origin: germline. Not counted in ClinVar's aggregate classification.
Comment: This variant is classified as likely benign based on ACMG/AMP sequence variant interpretation guidelines (Richards et al. 2015 PMID: 25741868, with internal and published modifications).

NM_003738.5(PTCH2):c.1758C>T (p.Asp586=)

Gene: PTCH2 (patched 2; minus strand). Cytogenetic location: 1p34.1.
Variant type: single nucleotide variant.
Coding change: c.1758C>T on transcript NM_003738.5 (MANE Select); coding-DNA position 1758, C replaced by T.
Protein change: p.Asp586=; no amino-acid change (aspartic acid 586 retained).
Molecular consequence: synonymous variant.
Genome position (GRCh38, 1-based): chr1:44,828,143, G>A on the plus strand (C>T on the coding strand, the complement: PTCH2 is on the minus strand). VCF-style: chr1-44828143-G-A. GRCh37 (hg19) VCF-style: chr1-45293815-G-A.
Other names: c.1758C>T, p.Asp586= (NM_001166292.2).
Identifiers: ClinVar variation 699163 (VCV000699163.10), dbSNP rs368278021, ClinGen allele CA823172.